The following is an entry in ClinVar:

NM_032444.4(SLX4):c.-104A>G

Gene: SLX4 (SLX4 structure-specific endonuclease subunit; minus strand). Cytogenetic location: 16p13.3.
Variant type: single nucleotide variant.
Coding change: c.-104A>G on transcript NM_032444.4 (MANE Select); 104 bases upstream of the start codon, A replaced by G.
Molecular consequence: 5 prime UTR variant.
Genome position (GRCh38, 1-based): chr16:3,609,068, T>C on the plus strand (A>G on the coding strand, the complement: SLX4 is on the minus strand). VCF-style: chr16-3609068-T-C. GRCh37 (hg19) VCF-style: chr16-3659069-T-C.
Other names: c.-104A>G (LRG_503t1).
Identifiers: ClinVar variation 319192 (VCV000319192.8), dbSNP rs73505426, ClinGen allele CA10637738.

ClinVar aggregate classification (germline): Benign/Likely benign. Review status: criteria provided, multiple submitters, no conflicts (2 of 4 stars). 2 submissions from 2 submitters: Benign (1); Likely benign (1). Last evaluated 2019-05-10.

Conditions:
Fanconi anemia complementation group P. Also called: SLX4-Related Fanconi Anemia. Identifiers: Orphanet 84, MedGen C3469542, MONDO:0013499, OMIM 613951.

Allele frequency attached by ClinVar (database versions not stated): gnomAD 0.01360 and 0.01460; TOPMed 0.01482; 1000 Genomes Project 0.01657; 1000 Genomes Project 30x 0.01889.
gnomAD v4.1: 3,782 of 1,400,416 alleles (0.27%); highest among the groups gnomAD compares: African/African-American, 4.8%; 91 homozygotes.

Submissions (2):

GeneDx
Classification: Likely benign. Last evaluated: 2019-05-10. Review status: criteria provided, single submitter. Criteria: GeneDx Variant Classification Process June 2021. Collection method: clinical testing. Allele origin: germline. Affected: yes.

Illumina Laboratory Services, Illumina
Classification: Benign for Fanconi anemia complementation group P. Last evaluated: 2018-01-13. Review status: criteria provided, single submitter. Criteria: ICSL Variant Classification Criteria 13 December 2019. Collection method: clinical testing. Allele origin: germline.
Comment: This variant was observed in the ICSL laboratory as part of a predisposition screen in an ostensibly healthy population. It had not been previously curated by ICSL or reported in the Human Gene Mutation Database (HGMD: prior to June 1st, 2018), and was therefore a candidate for classification through an automated scoring system. Utilizing variant allele frequency, disease prevalence and penetrance estimates, and inheritance mode, an automated score was calculated to assess if this variant is too frequent to cause the disease. Based on the score and internal cut-off values, a variant classified as benign is not then subjected to further curation. The score for this variant resulted in a classification of benign for this disease.